The following is an entry in ClinVar:

NM_001365276.2(TNXB):c.7701T>G (p.Arg2567=)

Gene: TNXB (tenascin XB; minus strand). Cytogenetic location: 6p21.33.
Variant type: single nucleotide variant.
Coding change: c.7701T>G on transcript NM_001365276.2 (MANE Select); coding-DNA position 7701, T replaced by G.
Protein change: p.Arg2567=; no amino-acid change (arginine 2567 retained).
Molecular consequence: synonymous variant.
Genome position (GRCh38, 1-based): chr6:32,058,182, A>C on the plus strand (T>G on the coding strand, the complement: TNXB is on the minus strand). VCF-style: chr6-32058182-A-C. GRCh37 (hg19) VCF-style: chr6-32025959-A-C.
Other names: c.8442T>G, p.Arg2814= (NM_001428335.1); c.7701T>G, p.Arg2567= (NM_019105.8).
Identifiers: ClinVar variation 3389367 (VCV003389367.14).
Genomic context (GRCh38, chr6:32,058,182, plus strand): 5'-CTTGTACTTGCGCCCAGGCTCCAGGCCCCTCACAGTGACCTTGCTCTCCTGGCCCCCAAC[A>C]CGCACCGCCTGGGGCCGCCCGTCCCTGTCCTTGTACTGCACGGTGAAGGAGTCAAAGCGG-3'
Protein context (NP_001352205.1, residues 2557-2577): KDRDGRPQAV[Arg2567=]VGGQESKVTV

ClinVar aggregate classification (germline): Likely benign (1 of 4 stars; one submission).

Submission:

CeGaT Center for Human Genetics Tuebingen
Classification: Likely benign. Last evaluated: 2024-10-01. Review status: criteria provided, single submitter. Criteria: CeGaT Center For Human Genetics Tuebingen Variant Classification Criteria Version 2. Collection method: clinical testing. Allele origin: germline. Affected: yes. Observed: 1 variant allele.
Comment: TNXB: PM2:Supporting, BP4, BP7